The following is an entry in ClinVar:

NM_001035.3(RYR2):c.1134C>T (p.Asp378=)

Gene: RYR2 (ryanodine receptor 2; plus strand). Cytogenetic location: 1q43.
Variant type: single nucleotide variant.
Coding change: c.1134C>T on transcript NM_001035.3 (MANE Select); coding-DNA position 1134, C replaced by T.
Protein change: p.Asp378=; no amino-acid change (aspartic acid 378 retained).
Molecular consequence: synonymous variant.
Genome position (GRCh38, 1-based): chr1:237,441,447, C>T. VCF-style: chr1-237441447-C-T. GRCh37 (hg19) VCF-style: chr1-237604747-C-T.
Identifiers: ClinVar variation 36730 (VCV000036730.73), dbSNP rs193922621, ClinGen allele CA006968.

ClinVar aggregate classification (germline): Benign/Likely benign. Review status: criteria provided, multiple submitters, no conflicts (2 of 4 stars). 18 submissions from 18 submitters: Benign (3); Likely benign (9). 6 of the submissions do not count toward it. Last evaluated 2026-09-01.

Conditions:
RYR2-related disorder. Also called: RYR2-related condition.
Cardiovascular phenotype. Identifiers: MedGen CN230736.
Cardiomyopathy (CMYO). Also called: Cardiomyopathies. Identifiers: Orphanet 167848, MedGen C0878544, MONDO:0004994, HP:0001638. Inheritance: Various modes of inheritance.
Catecholaminergic polymorphic ventricular tachycardia 1. Also called: RYR2-Related Catecholaminergic Polymorphic Ventricular Tachycardia; VENTRICULAR TACHYCARDIA, STRESS-INDUCED POLYMORPHIC 1; VENTRICULAR TACHYCARDIA, CATECHOLAMINERGIC POLYMORPHIC, 1, WITH OR WITHOUT ATRIAL DYSFUNCTION AND/OR DILATED CARDIOMYOPATHY. Identifiers: Orphanet 3286, MedGen C1631597, MONDO:0011484, OMIM 604772.
Catecholaminergic polymorphic ventricular tachycardia (CVPT). Also called: Catecholamine-induced polymorphic ventricular tachycardia. Identifiers: Orphanet 3286, MedGen C5574922, MONDO:0017990.

Allele frequency attached by ClinVar (database versions not stated): 1000 Genomes Project 0.00060; gnomAD 0.00071 and 0.00073; 1000 Genomes Project 30x 0.00062; ESP Exome Variant Server 0.00067; gnomAD exomes 0.00059; ExAC 0.00064; TOPMed 0.00055.
gnomAD v4.1: 1,327 of 1,596,894 alleles (0.083%); highest among the groups gnomAD compares: Non-Finnish European, 0.1%; 6 homozygotes.

Submissions (18):

CeGaT Center for Human Genetics Tuebingen
Classification: Likely benign. Last evaluated: 2026-09-01. Review status: criteria provided, single submitter. Criteria: CeGaT Center For Human Genetics Tuebingen Variant Classification Criteria Version 2. Collection method: clinical testing. Allele origin: germline. Affected: yes. Observed: 10 variant alleles.
Comment: RYR2: BP4, BP7, BS1

Labcorp Genetics (formerly Invitae), Labcorp
Classification: Benign for Catecholaminergic polymorphic ventricular tachycardia 1. Last evaluated: 2026-01-26. Review status: criteria provided, single submitter. Criteria: Invitae Variant Classification Sherloc (09022015). Collection method: clinical testing. Allele origin: germline.

Molecular Diagnostic Laboratory for Inherited Cardiovascular Disease, Montreal Heart Institute
Classification: Likely benign. Last evaluated: 2025-04-09. Review status: criteria provided, single submitter. Criteria: ACMG Guidelines, 2015. Collection method: clinical testing. Allele origin: germline. Affected: no.

Blueprint Genetics
Classification: Likely benign. Last evaluated: 2024-11-20. Review status: criteria provided, single submitter. Criteria: ACMG Guidelines, 2015. Collection method: clinical testing. Allele origin: germline.

All of Us Research Program, National Institutes of Health
Classification: Likely benign for Catecholaminergic polymorphic ventricular tachycardia. Last evaluated: 2024-02-05. Review status: criteria provided, single submitter. Criteria: ACMG Guidelines, 2015. Collection method: clinical testing. Allele origin: germline. Inheritance: Autosomal dominant inheritance. Observed: 209 variant alleles, 209 heterozygotes.
Comment: This study involves interpretation of variants in research participants for the purpose of population health screening. Participant phenotype was not available at the time of variant classification. Additional details can be found in publication PMID: 35346344, PMCID: PMC8962531

ARUP Laboratories, Molecular Genetics and Genomics, ARUP Laboratories
Classification: Likely benign. Last evaluated: 2019-09-25. Review status: criteria provided, single submitter. Criteria: ARUP Molecular Germline Variant Investigation Process. Collection method: clinical testing. Allele origin: germline.

Color Diagnostics, LLC DBA Color Health
Classification: Likely benign for Cardiomyopathy. Last evaluated: 2018-07-22. Review status: criteria provided, single submitter. Criteria: ACMG Guidelines, 2015. Collection method: clinical testing. Allele origin: germline.

Ambry Genetics
Classification: Likely benign for Cardiovascular phenotype. Last evaluated: 2017-09-28. Review status: criteria provided, single submitter. Criteria: Ambry Variant Classification Scheme 2023. Collection method: clinical testing. Allele origin: germline.

CHEO Genetics Diagnostic Laboratory, Children's Hospital of Eastern Ontario
Classification: Likely benign for Cardiomyopathy. Last evaluated: 2017-05-31. Review status: criteria provided, single submitter. Criteria: ACMG Guidelines, 2015. Collection method: clinical testing. Allele origin: germline. Study: Canadian Open Genetics Repository.

Women's Health and Genetics/Laboratory Corporation of America, LabCorp
Classification: Benign. Last evaluated: 2016-01-25. Review status: criteria provided, single submitter. Criteria: LabCorp Variant Classification Summary - May 2015. Collection method: clinical testing. Allele origin: germline.

Laboratory for Molecular Medicine, Mass General Brigham Personalized Medicine
Classification: Likely benign. Last evaluated: 2015-08-06. Review status: criteria provided, single submitter. Criteria: LMM Criteria. Collection method: clinical testing. Allele origin: germline. Observed: 4 variant alleles.
Comment: p.Asp378Asp in exon 13 of RYR2: This variant is not expected to have clinical si gnificance because it does not alter an amino acid residue and is not located wi thin the splice consensus sequence. It has been identified in 0.1% (69/66454) of European chromosomes by the Exome Aggregation Consortium (ExAC; dbSNP rs193922621).

GeneDx
Classification: Benign. Last evaluated: 2015-03-03. Review status: criteria provided, single submitter. Criteria: GeneDx Variant Classification Process June 2021. Collection method: clinical testing. Allele origin: germline. Affected: yes.

PreventionGenetics, part of Exact Sciences
Classification: Likely benign for RYR2-related condition. Last evaluated: 2019-02-22. Review status: no assertion criteria provided. Collection method: clinical testing. Allele origin: germline. Not counted in ClinVar's aggregate classification.
Comment: This variant is classified as likely benign based on ACMG/AMP sequence variant interpretation guidelines (Richards et al. 2015 PMID: 25741868, with internal and published modifications).

Clinical Genetics DNA and cytogenetics Diagnostics Lab, Erasmus MC, Erasmus Medical Center
Classification: Likely benign. Review status: no assertion criteria provided. Collection method: clinical testing. Allele origin: germline. Affected: yes. Study: VKGL Data-share Consensus. Not counted in ClinVar's aggregate classification.

Clinical Genetics, Academic Medical Center
Classification: Benign. Review status: no assertion criteria provided. Collection method: clinical testing. Allele origin: germline. Affected: yes. Study: VKGL Data-share Consensus. Not counted in ClinVar's aggregate classification.

Diagnostic Laboratory, Department of Genetics, University Medical Center Groningen
Classification: Likely benign. Review status: no assertion criteria provided. Collection method: clinical testing. Allele origin: germline. Affected: yes. Study: VKGL Data-share Consensus. Not counted in ClinVar's aggregate classification.

Genome Diagnostics Laboratory, University Medical Center Utrecht
Classification: Likely benign. Review status: no assertion criteria provided. Collection method: clinical testing. Allele origin: germline. Affected: yes. Study: VKGL Data-share Consensus. Not counted in ClinVar's aggregate classification.

Joint Genome Diagnostic Labs from Nijmegen and Maastricht, Radboudumc and MUMC+
Classification: Benign. Review status: no assertion criteria provided. Collection method: clinical testing. Allele origin: germline. Affected: yes. Study: VKGL Data-share Consensus. Not counted in ClinVar's aggregate classification.